The following is an entry in ClinVar:

ClinVar aggregate classification (germline): Pathogenic (1 of 4 stars; one submission).

Submission:

GeneDx
Classification: Pathogenic. Last evaluated: 2026-09-12. Review status: criteria provided, single submitter. Criteria: GeneDx Variant Classification Process June 2021. Collection method: clinical testing. Allele origin: germline.
Comment: Not observed at significant frequency in large population cohorts (gnomAD); In silico analysis supports that this missense variant has a deleterious effect on protein structure/function; Has not been previously published as pathogenic or benign to our knowledge; This variant is associated with the following publications: (PMID: LeyTung2024[Poster])

NM_015076.5(CDK19):c.599G>A (p.Arg200Gln)

Gene: CDK19 (cyclin dependent kinase 19; minus strand). Cytogenetic location: 6q21.
Variant type: single nucleotide variant.
Coding change: c.599G>A on transcript NM_015076.5 (MANE Select); coding-DNA position 599, G replaced by A.
Protein change: p.Arg200Gln; replaces arginine 200 with glutamine.
Molecular consequence: missense variant. On other transcripts: intron variant (1).
Genome position (GRCh38, 1-based): chr6:110,632,077, C>T on the plus strand (G>A on the coding strand, the complement: CDK19 is on the minus strand). VCF-style: chr6-110632077-C-T. GRCh37 (hg19) VCF-style: chr6-110953280-C-T.
Other names: c.419G>A, p.Arg140Gln (NM_001300963.2, NM_001300964.2); c.515-4932G>A (NM_001300960.2); short protein forms R140Q, R200Q.
Identifiers: ClinVar variation 3899506 (VCV003899506.2).
Genomic context (GRCh38, chr6:110,632,077, plus strand): 5'-TAGACCAACTTACCAATGGCCTTTGTATAATGCCTTGCACCAAGCAAAAGTTCTGGAGCC[C>T]GATACCAAAATGTCACAACTACTGGATCCAAATCTGCTAGTGGCTTTAGAGGAGAATTGA-3'
Protein context (NP_055891.1, residues 190-210): LDPVVVTFWY[Arg200Gln]APELLLGARH